The following is an entry in ClinVar:

ClinVar aggregate classification (germline): Uncertain significance (1 of 4 stars; one submission).

Conditions:
Charcot-Marie-Tooth disease type 4. Also called: Charcot-Marie-Tooth disease, type IV; Charcot-Marie-Tooth, Type 4. Identifiers: Orphanet 64749, MedGen C4082197, MONDO:0018995.

Allele frequency attached by ClinVar (database versions not stated): TOPMed below 0.00001; ExAC 0.00001; ESP Exome Variant Server 0.00008.

Submission:

Labcorp Genetics (formerly Invitae), Labcorp
Classification: Uncertain significance for Charcot-Marie-Tooth disease type 4. Last evaluated: 2022-05-20. Review status: criteria provided, single submitter. Criteria: Invitae Variant Classification Sherloc (09022015). Collection method: clinical testing. Allele origin: germline.
Comment: In summary, the available evidence is currently insufficient to determine the role of this variant in disease. Therefore, it has been classified as a Variant of Uncertain Significance. Algorithms developed to predict the effect of missense changes on protein structure and function (SIFT, PolyPhen-2, Align-GVGD) all suggest that this variant is likely to be disruptive. This variant has not been reported in the literature in individuals affected with SBF2-related conditions. This variant is present in population databases (rs369755836, gnomAD 0.007%). This sequence change replaces arginine, which is basic and polar, with lysine, which is basic and polar, at codon 643 of the SBF2 protein (p.Arg643Lys).

NM_030962.4(SBF2):c.1928G>A (p.Arg643Lys)

Genes: SBF2 (SET binding factor 2; minus strand), LOC101928008 (uncharacterized LOC101928008; plus strand). Cytogenetic location: 11p15.4.
Variant type: single nucleotide variant.
Coding change: c.1928G>A on transcript NM_030962.4 (MANE Select); coding-DNA position 1928, G replaced by A.
Protein change: p.Arg643Lys; replaces arginine 643 with lysine.
Molecular consequence: missense variant.
Genome position (GRCh38, 1-based): chr11:9,895,944, C>T on the plus strand (G>A on the coding strand, the complement: SBF2 is on the minus strand). VCF-style: chr11-9895944-C-T. GRCh37 (hg19) VCF-style: chr11-9917491-C-T.
Other names: c.1928G>A, p.Arg643Lys (NM_001386339.1); c.1799G>A, p.Arg600Lys (NM_001386342.1); short protein forms R643K, R600K.
Identifiers: ClinVar variation 2183072 (VCV002183072.4), dbSNP rs369755836, ClinGen allele CA5881691.